The following is an entry in ClinVar:

ClinVar aggregate classification (germline): Likely pathogenic (1 of 4 stars; one submission).

Submission:

GeneDx
Classification: Likely pathogenic. Last evaluated: 2024-11-14. Review status: criteria provided, single submitter. Criteria: GeneDx Variant Classification Process June 2021. Collection method: clinical testing. Allele origin: germline. Affected: yes.
Comment: Has not been previously published as pathogenic or benign to our knowledge; Not observed at significant frequency in large population cohorts (gnomAD); Nonsense variant predicted to result in protein truncation, as the last 43 amino acid(s) are lost, and other loss-of-function variants have been reported downstream in HGMD

NM_000138.5(FBN1):c.8486T>G (p.Leu2829Ter)

Gene: FBN1 (fibrillin 1; minus strand). Cytogenetic location: 15q21.1.
Variant type: single nucleotide variant.
Coding change: c.8486T>G on transcript NM_000138.5 (MANE Select); coding-DNA position 8486, T replaced by G.
Protein change: p.Leu2829Ter; replaces leucine 2829 with a stop codon.
Molecular consequence: nonsense.
Genome position (GRCh38, 1-based): chr15:48,411,120, A>C on the plus strand (T>G on the coding strand, the complement: FBN1 is on the minus strand). VCF-style: chr15-48411120-A-C. GRCh37 (hg19) VCF-style: chr15-48703317-A-C.
Other names: c.8486T>G, p.Leu2829Ter (NM_001406716.1); short protein forms L2829*.
Identifiers: ClinVar variation 3899786 (VCV003899786.1).